The following is an entry in ClinVar:

ClinVar aggregate classification (germline): Uncertain significance (1 of 4 stars; one submission).

Conditions:
Arrhythmogenic cardiomyopathy with wooly hair and keratoderma. Also called: PALMOPLANTAR KERATODERMA WITH LEFT VENTRICULAR CARDIOMYOPATHY AND WOOLLY HAIR; Carvajal syndrome; Dilated cardiomyopathy with woolly hair and keratoderma; Arrhythmogenic cardiomyopathy with woolly hair and keratoderma. Identifiers: Orphanet 65282, MedGen C1854063, MONDO:0011581, OMIM 605676.

Submission:

All of Us Research Program, National Institutes of Health
Classification: Uncertain significance for Arrhythmogenic cardiomyopathy with wooly hair and keratoderma. Last evaluated: 2023-12-13. Review status: criteria provided, single submitter. Criteria: ACMG Guidelines, 2015. Collection method: clinical testing. Allele origin: germline. Inheritance: Autosomal dominant inheritance. Observed: 1 variant allele, 1 heterozygote.
Comment: This missense variant replaces glutamine with arginine at codon 841 of the DSP protein. Computational prediction suggests that this variant may not impact protein structure and function (internally defined REVEL score threshold <= 0.5, PMID: 27666373). To our knowledge, functional studies have not been reported for this variant. This variant has not been reported in individuals affected with DSP-related disorders in the literature. This variant has not been identified in the general population by the Genome Aggregation Database (gnomAD). The available evidence is insufficient to determine the role of this variant in disease conclusively. Therefore, this variant is classified as a Variant of Uncertain Significance.

This study involves interpretation of variants in research participants for the purpose of population health screening. Participant phenotype was not available at the time of variant classification. Additional details can be found in publication PMID: 35346344, PMCID: PMC8962531

NM_004415.4(DSP):c.2522A>G (p.Gln841Arg)

Gene: DSP (desmoplakin; plus strand). Cytogenetic location: 6p24.3.
Variant type: single nucleotide variant.
Coding change: c.2522A>G on transcript NM_004415.4 (MANE Select); coding-DNA position 2522, A replaced by G.
Protein change: p.Gln841Arg; replaces glutamine 841 with arginine.
Molecular consequence: missense variant.
Genome position (GRCh38, 1-based): chr6:7,575,380, A>G. VCF-style: chr6-7575380-A-G. GRCh37 (hg19) VCF-style: chr6-7575613-A-G.
Other names: c.2522A>G, p.Gln841Arg (NM_001008844.3, NM_001319034.2); short protein forms Q841R.
Identifiers: ClinVar variation 3074844 (VCV003074844.1), dbSNP rs2533908482, ClinGen allele CA362681530.